The following is an entry in ClinVar:

ClinVar aggregate classification (germline): Benign. Review status: criteria provided, multiple submitters, no conflicts (2 of 4 stars). 3 submissions from 3 submitters: Benign (2). 1 of the submissions does not count toward it. Last evaluated 2018-11-20.

Conditions:
DSCAM-related disorder. Also called: DSCAM-related condition.

Allele frequency attached by ClinVar (database versions not stated): 1000 Genomes Project 0.00659; 1000 Genomes Project 30x 0.00750; gnomAD 0.00876; ESP Exome Variant Server 0.00897; TOPMed 0.00930.
gnomAD v4.1: 2,680 of 1,613,390 alleles (0.17%); highest among the groups gnomAD compares: African/African-American, 3%; 37 homozygotes.

Submissions (3):

Labcorp Genetics (formerly Invitae), Labcorp
Classification: Benign. Last evaluated: 2018-11-20. Review status: criteria provided, single submitter. Criteria: Invitae Variant Classification Sherloc (09022015). Collection method: clinical testing. Allele origin: germline.

Breakthrough Genomics
Classification: Benign. Review status: criteria provided, single submitter. Criteria: ACMG Guidelines, 2015. Collection method: not provided. Allele origin: germline. Inheritance: Unknown mechanism. Affected: yes.

PreventionGenetics, part of Exact Sciences
Classification: Benign for DSCAM-related condition. Last evaluated: 2022-11-16. Review status: no assertion criteria provided. Collection method: clinical testing. Allele origin: germline. Not counted in ClinVar's aggregate classification.
Comment: This variant is classified as benign based on ACMG/AMP sequence variant interpretation guidelines (Richards et al. 2015 PMID: 25741868, with internal and published modifications).

NM_001389.5(DSCAM):c.3705C>T (p.Ser1235=)

Gene: DSCAM (DS cell adhesion molecule; minus strand). Cytogenetic location: 21q22.2.
Variant type: single nucleotide variant.
Coding change: c.3705C>T on transcript NM_001389.5 (MANE Select); coding-DNA position 3705, C replaced by T.
Protein change: p.Ser1235=; no amino-acid change (serine 1235 retained).
Molecular consequence: synonymous variant. On other transcripts: non-coding transcript variant (1).
Genome position (GRCh38, 1-based): chr21:40,093,866, G>A on the plus strand (C>T on the coding strand, the complement: DSCAM is on the minus strand). VCF-style: chr21-40093866-G-A. GRCh37 (hg19) VCF-style: chr21-41465793-G-A.
Other names: c.3705C>T, p.Ser1235= (NM_001271534.3).
Identifiers: ClinVar variation 789142 (VCV000789142.6), dbSNP rs116157569, ClinGen allele CA10030851.